The following is an entry in ClinVar:

NM_015466.4(PTPN23):c.1331-3C>T

Gene: PTPN23 (protein tyrosine phosphatase non-receptor type 23; plus strand). Cytogenetic location: 3p21.31.
Variant type: single nucleotide variant.
Coding change: c.1331-3C>T on transcript NM_015466.4 (MANE Select); 3 bases into the intron before coding-DNA position 1331, C replaced by T.
Molecular consequence: intron variant.
Genome position (GRCh38, 1-based): chr3:47,408,773, C>T. VCF-style: chr3-47408773-C-T. GRCh37 (hg19) VCF-style: chr3-47450263-C-T.
Other names: c.953-3C>T (NM_001304482.2).
Identifiers: ClinVar variation 2092138 (VCV002092138.3), dbSNP rs2546246149, ClinGen allele CA2517287761.

ClinVar aggregate classification (germline): Uncertain significance (1 of 4 stars; one submission).

Allele frequency attached by ClinVar (database versions not stated): gnomAD exomes below 0.00001.
gnomAD v4.1: 3 of 1,582,092 alleles (0.00019%); highest among the groups gnomAD compares: Non-Finnish European, 0.00026%; no homozygotes.

Submission:

Labcorp Genetics (formerly Invitae), Labcorp
Classification: Uncertain significance. Last evaluated: 2022-08-16. Review status: criteria provided, single submitter. Criteria: Invitae Variant Classification Sherloc (09022015). Collection method: clinical testing. Allele origin: germline.
Comment: This sequence change falls in intron 15 of the PTPN23 gene. It does not directly change the encoded amino acid sequence of the PTPN23 protein. It affects a nucleotide within the consensus splice site. This variant is not present in population databases (gnomAD no frequency). This variant has not been reported in the literature in individuals affected with PTPN23-related conditions. In summary, the available evidence is currently insufficient to determine the role of this variant in disease. Therefore, it has been classified as a Variant of Uncertain Significance. Variants that disrupt the consensus splice site are a relatively common cause of aberrant splicing (PMID: 17576681, 9536098). Algorithms developed to predict the effect of sequence changes on RNA splicing suggest that this variant is not likely to affect RNA splicing.

Literature cited by the submitters: PubMed 17576681; PubMed 9536098.